The following is an entry in ClinVar:

NM_001377.3(DYNC2H1):c.6254del (p.Gln2085fs)

Gene: DYNC2H1 (dynein cytoplasmic 2 heavy chain 1; plus strand). Cytogenetic location: 11q22.3.
Variant type: Deletion.
Coding change: c.6254del on transcript NM_001377.3 (MANE Select); coding-DNA position 6254, one base deleted (A; older notation c.6254delA).
Protein change: p.Gln2085fs; shifts the reading frame from glutamine 2085.
Molecular consequence: frameshift variant.
Genome position (GRCh38, 1-based): chr11:103,179,140, A deleted. VCF-style (leftmost placement, unchanged base first): chr11-103179139-CA-C. GRCh37 (hg19) VCF-style: chr11-103049868-CA-C.
Other names: c.6254del, p.Gln2085fs (NM_001080463.2); short protein forms Q2085fs.
Identifiers: ClinVar variation 3598885 (VCV003598885.2).

ClinVar aggregate classification (germline): Pathogenic/Likely pathogenic. Review status: criteria provided, multiple submitters, no conflicts (2 of 4 stars). 2 submissions from 2 submitters: Pathogenic (1); Likely pathogenic (1). Last evaluated 2026-02-09.

Conditions:
Asphyxiating thoracic dystrophy 3. Also called: Short rib polydactyly syndrome 2B; SHORT-RIB THORACIC DYSPLASIA 3 WITH OR WITHOUT POLYDACTYLY; POLYDACTYLY WITH NEONATAL CHONDRODYSTROPHY, TYPE I; SHORT-RIB THORACIC DYSPLASIA 3/6 WITH POLYDACTYLY, DIGENIC; Saldino-Noonan Syndrome. Identifiers: Orphanet 474, Orphanet 93269, Orphanet 93270, Orphanet 93271, MedGen C0036069, MONDO:0013127, OMIM 613091.

Submissions (2):

Myriad Genetics, Inc.
Classification: Pathogenic for Asphyxiating thoracic dystrophy 3. Last evaluated: 2026-02-09. Review status: criteria provided, single submitter. Criteria: Myriad Autosomal Dominant, Autosomal Recessive and X-Linked Classification Criteria (2023). Collection method: clinical testing. Allele origin: unknown.
Comment: NM_001377.2(DYNC2H1):c.6254delA(Q2085Rfs*15) is expected to be pathogenic in the context of DYNC2H1-related disorders. This variant is predicted to lead to an abnormal or absent protein product due to the creation of a premature termination codon in DYNC2H1, a gene where loss-of-function variants are known to be pathogenic. Please note: this variant was assessed in the context of healthy population screening.

Fulgent Genetics
Classification: Likely pathogenic for Asphyxiating thoracic dystrophy 3. Last evaluated: 2024-06-24. Review status: criteria provided, single submitter. Criteria: ACMG Guidelines, 2015. Collection method: clinical testing. Allele origin: germline.